The following is an entry in ClinVar:

NM_014000.3(VCL):c.1006G>A (p.Ala336Thr)

Gene: VCL (vinculin; plus strand). Cytogenetic location: 10q22.2.
Variant type: single nucleotide variant.
Coding change: c.1006G>A on transcript NM_014000.3 (MANE Select); coding-DNA position 1006, G replaced by A.
Protein change: p.Ala336Thr; replaces alanine 336 with threonine.
Molecular consequence: missense variant.
Genome position (GRCh38, 1-based): chr10:74,083,497, G>A. VCF-style: chr10-74083497-G-A. GRCh37 (hg19) VCF-style: chr10-75843255-G-A.
Other names: c.1006G>A, p.Ala336Thr (NM_003373.4); short protein forms A336T.
Identifiers: ClinVar variation 1310591 (VCV001310591.10), dbSNP rs565546734, ClinGen allele CA5562899.

ClinVar aggregate classification (germline): Conflicting classifications of pathogenicity. Review status: criteria provided, conflicting classifications (1 of 4 stars). 4 submissions from 4 submitters: Uncertain significance (3); Likely benign (1). Last evaluated 2025-11-10.

Conditions:
Dilated cardiomyopathy 1W (CMD1W). Identifiers: Orphanet 154, MedGen C1969639, MONDO:0012667, OMIM 611407.
Cardiovascular phenotype. Identifiers: MedGen CN230736.
VCL-related disorder. Also called: VCL-related condition.

Allele frequency attached by ClinVar (database versions not stated): gnomAD exomes below 0.00001 and 0.00001; gnomAD 0.00001 and 0.00003; TOPMed 0.00001; ExAC 0.00002; 1000 Genomes Project 30x 0.00031; 1000 Genomes Project 0.00040.
gnomAD v4.1: 7 of 1,613,984 alleles (0.00043%); highest among the groups gnomAD compares: African/African-American, 0.004%; no homozygotes.

Submissions (4):

Labcorp Genetics (formerly Invitae), Labcorp
Classification: Uncertain significance for Dilated cardiomyopathy 1W. Last evaluated: 2025-11-10. Review status: criteria provided, single submitter. Criteria: Invitae Variant Classification Sherloc (09022015). Collection method: clinical testing. Allele origin: germline.
Comment: This sequence change replaces alanine, which is neutral and non-polar, with threonine, which is neutral and polar, at codon 336 of the VCL protein (p.Ala336Thr). This variant is present in population databases (rs565546734, gnomAD 0.01%). This variant has not been reported in the literature in individuals affected with VCL-related conditions. ClinVar contains an entry for this variant (Variation ID: 1310591). An algorithm developed to predict the effect of missense changes on protein structure and function (PolyPhen-2) suggests that this variant is likely to be tolerated. In summary, the available evidence is currently insufficient to determine the role of this variant in disease. Therefore, it has been classified as a Variant of Uncertain Significance.

PreventionGenetics, part of Exact Sciences
Classification: Uncertain significance for VCL-related condition. Last evaluated: 2025-08-19. Review status: criteria provided, single submitter. Criteria: ACMG Guidelines, 2015. Collection method: clinical testing. Allele origin: germline.
Comment: The VCL c.1006G>A variant is predicted to result in the amino acid substitution p.Ala336Thr. To our knowledge, this variant has not been reported in the literature. This variant is reported in 0.012% of alleles in individuals of African descent in gnomAD. At this time, the clinical significance of this variant is uncertain due to the absence of conclusive functional and genetic evidence.

Ambry Genetics
Classification: Likely benign for Cardiovascular phenotype. Last evaluated: 2025-02-05. Review status: criteria provided, single submitter. Criteria: Ambry Variant Classification Scheme 2023. Collection method: clinical testing. Allele origin: germline.

GeneDx
Classification: Uncertain significance. Last evaluated: 2019-11-25. Review status: criteria provided, single submitter. Criteria: GeneDx Variant Classification Process June 2021. Collection method: clinical testing. Allele origin: germline. Affected: yes.
Comment: Has not been previously published as pathogenic or benign to our knowledge; Not observed at a significant frequency in large population cohorts (Lek et al., 2016); In silico analysis, which includes protein predictors and evolutionary conservation, supports that this variant does not alter protein structure/function